The following is an entry in ClinVar:

ClinVar aggregate classification (germline): Uncertain significance (1 of 4 stars; one submission).

Conditions:
Combined immunodeficiency due to DOCK8 deficiency (HIES2). Also called: HYPER-IgE RECURRENT INFECTION SYNDROME 2, AUTOSOMAL RECESSIVE; HYPER-IgE SYNDROME 2, AUTOSOMAL RECESSIVE, WITH RECURRENT INFECTIONS; HIES autosomal recessive; Hyper-IgE recurrent infection syndrome, autosomal recessive; DOCK8 Deficiency. Identifiers: Orphanet 217390, MedGen C4722305, MONDO:0009478, OMIM 243700.

Allele frequency attached by ClinVar (database versions not stated): TOPMed below 0.00001; gnomAD 0.00001; gnomAD exomes 0.00001.
gnomAD v4.1: 11 of 1,610,992 alleles (0.00068%); highest among the groups gnomAD compares: Non-Finnish European, 0.00085%; no homozygotes.

Submission:

Labcorp Genetics (formerly Invitae), Labcorp
Classification: Uncertain significance for Combined immunodeficiency due to DOCK8 deficiency. Last evaluated: 2019-03-15. Review status: criteria provided, single submitter. Criteria: Invitae Variant Classification Sherloc (09022015). Collection method: clinical testing. Allele origin: germline.
Comment: In summary, the available evidence is currently insufficient to determine the role of this variant in disease. Therefore, it has been classified as a Variant of Uncertain Significance. This variant has not been reported in the literature in individuals with DOCK8-related disease. Algorithms developed to predict the effect of missense changes on protein structure and function (SIFT, PolyPhen-2, Align-GVGD) all suggest that this variant is likely to be tolerated, but these predictions have not been confirmed by published functional studies and their clinical significance is uncertain. This variant is not present in population databases (ExAC no frequency). This sequence change replaces leucine with valine at codon 275 of the DOCK8 protein (p.Leu275Val). The leucine residue is highly conserved and there is a small physicochemical difference between leucine and valine.

NM_203447.4(DOCK8):c.823T>G (p.Leu275Val)

Gene: DOCK8 (dedicator of cytokinesis 8; plus strand). Cytogenetic location: 9p24.3.
Variant type: single nucleotide variant.
Coding change: c.823T>G on transcript NM_203447.4 (MANE Select); coding-DNA position 823, T replaced by G.
Protein change: p.Leu275Val; replaces leucine 275 with valine.
Molecular consequence: missense variant.
Genome position (GRCh38, 1-based): chr9:317,124, T>G. VCF-style: chr9-317124-T-G. GRCh37 (hg19) VCF-style: chr9-317124-T-G.
Other names: c.619T>G, p.Leu207Val (NM_001190458.2, NM_001193536.2); short protein forms L207V, L275V.
Identifiers: ClinVar variation 653907 (VCV000653907.11), dbSNP rs1293700141, ClinGen allele CA372762029.